The following is an entry in ClinVar:

NM_001148.6(ANK2):c.9736G>A (p.Asp3246Asn)

Gene: ANK2 (ankyrin 2; plus strand). Cytogenetic location: 4q26.
Variant type: single nucleotide variant.
Coding change: c.9736G>A on transcript NM_001148.6 (MANE Select); coding-DNA position 9736, G replaced by A.
Protein change: p.Asp3246Asn; replaces aspartic acid 3246 with asparagine.
Molecular consequence: missense variant. On other transcripts: intron variant (68).
Genome position (GRCh38, 1-based): chr4:113,358,354, G>A. VCF-style: chr4-113358354-G-A. GRCh37 (hg19) VCF-style: chr4-114279510-G-A.
Other names: c.9502G>A, p.Asp3168Asn (NM_001386142.1); c.6136G>A, p.Asp2046Asn (NM_001386166.1); c.9877G>A, p.Asp3293Asn (NM_001386174.1); c.9853G>A, p.Asp3285Asn (NM_001386175.1); c.4412-2469G>A (NM_001386186.2, NM_001386148.2); c.4214-2469G>A (NM_001354269.3); c.4292-2469G>A (NM_001386187.2); c.4253-2469G>A (NM_001386147.1); and 35 more; short protein forms D2046N, D3168N, D3246N, D3285N, D3293N.
Identifiers: ClinVar variation 1316583 (VCV001316583.9), dbSNP rs371808294, ClinGen allele CA3051976.

ClinVar aggregate classification (germline): Uncertain significance. Review status: criteria provided, multiple submitters, no conflicts (2 of 4 stars). 2 submissions from 2 submitters: Uncertain significance (2). Last evaluated 2026-02-02.

Conditions:
Long QT syndrome (LQTS). Identifiers: MedGen C0023976, MeSH D008133, MONDO:0002442. Disease mechanism: loss of function. Inheritance: Various modes of inheritance.

Allele frequency attached by ClinVar (database versions not stated): ExAC 0.00002; TOPMed 0.00003; gnomAD exomes 0.00004; gnomAD 0.00005.
gnomAD v4.1: 62 of 1,613,850 alleles (0.0038%); highest among the groups gnomAD compares: African/African-American, 0.0053%; no homozygotes.

Submissions (2):

GeneDx
Classification: Uncertain significance. Last evaluated: 2026-02-02. Review status: criteria provided, single submitter. Criteria: GeneDx Variant Classification Process June 2021. Collection method: clinical testing. Allele origin: germline. Affected: yes.
Comment: Reported in a patient with sudden unexplained death (PMID: 29247119); In silico analysis suggests that this missense variant does not alter protein structure/function; Located in exon 38, which is reported as being expressed in a brain-specific transcript (PMID: 1830053, 18790697, 26109584); This variant is associated with the following publications: (PMID: 29247119)

Labcorp Genetics (formerly Invitae), Labcorp
Classification: Uncertain significance for Long QT syndrome. Last evaluated: 2025-10-07. Review status: criteria provided, single submitter. Criteria: Invitae Variant Classification Sherloc (09022015). Collection method: clinical testing. Allele origin: germline.
Comment: This sequence change replaces aspartic acid, which is acidic and polar, with asparagine, which is neutral and polar, at codon 3246 of the ANK2 protein (p.Asp3246Asn). This variant is present in population databases (rs371808294, gnomAD 0.02%). This variant has not been reported in the literature in individuals affected with ANK2-related conditions. ClinVar contains an entry for this variant (Variation ID: 1316583). An algorithm developed to predict the effect of missense changes on protein structure and function (PolyPhen-2) suggests that this variant is likely to be disruptive. In summary, the available evidence is currently insufficient to determine the role of this variant in disease. Therefore, it has been classified as a Variant of Uncertain Significance.